The following is an entry in ClinVar:

ClinVar aggregate classification (germline): Likely benign (1 of 4 stars; one submission).

gnomAD v4.1: 748 of 1,612,882 alleles (0.046%); highest among the groups gnomAD compares: Middle Eastern, 1.4%; 2 homozygotes.

Submission:

CeGaT Center for Human Genetics Tuebingen
Classification: Likely benign. Last evaluated: 2026-08-01. Review status: criteria provided, single submitter. Criteria: CeGaT Center For Human Genetics Tuebingen Variant Classification Criteria Version 2. Collection method: clinical testing. Allele origin: germline. Affected: yes. Observed: 9 variant alleles.
Comment: ANKRD28: BP4, BP7

NM_001349278.2(ANKRD28):c.1542T>C (p.Asp514=)

Genes: ANKRD28 (ankyrin repeat domain 28; minus strand), BTD (biotinidase; plus strand). Cytogenetic location: 3p25.1.
Variant type: single nucleotide variant.
Coding change: c.1542T>C on transcript NM_001349278.2 (MANE Select); coding-DNA position 1542, T replaced by C.
Protein change: p.Asp514=; no amino-acid change (aspartic acid 514 retained).
Molecular consequence: synonymous variant. On other transcripts: non-coding transcript variant (2), intron variant (3).
Genome position (GRCh38, 1-based): chr3:15,707,929, A>G on the plus strand (T>C on the coding strand, the complement: ANKRD28 is on the minus strand). VCF-style: chr3-15707929-A-G. GRCh37 (hg19) VCF-style: chr3-15749436-A-G.
Other names: c.990T>C, p.Asp330= (NM_001195098.1, NM_001195099.2, NM_001349283.2); c.1551T>C, p.Asp517= (NM_001349277.2); c.1443T>C, p.Asp481= (NM_001349279.2); c.1284T>C, p.Asp428= (NM_001349280.1, NM_001349281.2, NM_001349282.2); c.1452T>C, p.Asp484= (NM_015199.4); c.1016-13841A>G (NM_001370752.1, NM_001407379.1); c.400-2470A>G (NM_001370753.1).
Identifiers: ClinVar variation 3341569 (VCV003341569.15).